The following is an entry in ClinVar:

NM_001243.5(TNFRSF8):c.271G>T (p.Asp91Tyr)

Gene: TNFRSF8 (TNF receptor superfamily member 8; plus strand). Cytogenetic location: 1p36.22.
Variant type: single nucleotide variant.
Coding change: c.271G>T on transcript NM_001243.5 (MANE Select); coding-DNA position 271, G replaced by T.
Protein change: p.Asp91Tyr; replaces aspartic acid 91 with tyrosine.
Molecular consequence: missense variant. On other transcripts: 5 prime UTR variant (1).
Genome position (GRCh38, 1-based): chr1:12,104,381, G>T. VCF-style: chr1-12104381-G-T. GRCh37 (hg19) VCF-style: chr1-12164438-G-T.
Other names: c.-63G>T (NM_001281430.3); short protein forms D91Y.
Identifiers: ClinVar variation 161578 (VCV000161578.2), dbSNP rs193921033, ClinGen allele CA174384.

ClinVar aggregate classification (germline): Uncertain significance (0 of 4 stars; one submission).

Conditions:
Prostate cancer. Also called: Malignant tumor of prostate. Identifiers: Orphanet 1331, MedGen C0376358, MONDO:0008315, HP:0012125.

Submission:

Science for Life laboratory,  Karolinska Institutet
Classification: Uncertain significance for Malignant tumor of prostate. Review status: no assertion criteria provided. Collection method: not provided. Allele origin: somatic.
Comment: TumorID:SWE-8
ClinVar note: Converted during submission from Unknown to Uncertain significance.